The following is an entry in ClinVar:

NM_021615.5(CHST6):c.526G>A (p.Val176Met)

Gene: CHST6 (carbohydrate sulfotransferase 6; minus strand). Cytogenetic location: 16q23.1.
Variant type: single nucleotide variant.
Coding change: c.526G>A on transcript NM_021615.5 (MANE Select); coding-DNA position 526, G replaced by A.
Protein change: p.Val176Met; replaces valine 176 with methionine.
Molecular consequence: missense variant.
Genome position (GRCh38, 1-based): chr16:75,479,303, C>T on the plus strand (G>A on the coding strand, the complement: CHST6 is on the minus strand). VCF-style: chr16-75479303-C-T. GRCh37 (hg19) VCF-style: chr16-75513201-C-T.
Other names: short protein forms V176M.
Identifiers: ClinVar variation 4526360 (VCV004526360.1), dbSNP rs1233675347.

ClinVar aggregate classification (germline): Likely pathogenic (1 of 4 stars; one submission).

gnomAD v4.1: 5 of 1,613,142 alleles (0.00031%); highest among the groups gnomAD compares: Non-Finnish European, 0.00034%; no homozygotes.

Submission:

Centre of Medical Genetics, University Hospital Muenster
Classification: Likely pathogenic. Last evaluated: 2025-04-07. Review status: criteria provided, single submitter. Criteria: ACMG Guidelines, 2015. Collection method: clinical testing. Allele origin: unknown. Affected: yes. Observed: 1 variant allele, 1 homozygote.
Comment: ACMG categories: PM1_sup,PM2,PM3_sup,PP3,PP4